The following is an entry in ClinVar:

NM_015215.4(CAMTA1):c.1939G>T (p.Val647Leu)

Gene: CAMTA1 (calmodulin binding transcription activator 1; plus strand). Cytogenetic location: 1p36.23.
Variant type: single nucleotide variant.
Coding change: c.1939G>T on transcript NM_015215.4 (MANE Select); coding-DNA position 1939, G replaced by T.
Protein change: p.Val647Leu; replaces valine 647 with leucine.
Molecular consequence: missense variant.
Genome position (GRCh38, 1-based): chr1:7,664,486, G>T. VCF-style: chr1-7664486-G-T. GRCh37 (hg19) VCF-style: chr1-7724546-G-T.
Other names: c.1849G>T, p.Val617Leu (NM_001349608.2, NM_001349612.2); c.1939G>T, p.Val647Leu (NM_001349609.2, NM_001349610.2, NM_001410737.1); c.1867G>T, p.Val623Leu (NM_001410738.1); short protein forms V617L, V623L, V647L.
Identifiers: ClinVar variation 3906583 (VCV003906583.1).

ClinVar aggregate classification (germline): Uncertain significance (1 of 4 stars; one submission).

gnomAD v4.1: 1 of 1,613,320 alleles (0.000062%); highest among the groups gnomAD compares: South Asian, 0.0011%; no homozygotes.

Submission:

GeneDx
Classification: Uncertain significance. Last evaluated: 2024-12-18. Review status: criteria provided, single submitter. Criteria: GeneDx Variant Classification Process June 2021. Collection method: clinical testing. Allele origin: germline. Affected: yes.
Comment: Not observed at significant frequency in large population cohorts (gnomAD); In silico analysis indicates that this missense variant does not alter protein structure/function; Has not been previously published as pathogenic or benign to our knowledge